The following is an entry in ClinVar:

NM_054012.4(ASS1):c.489C>T (p.Tyr163=)

Gene: ASS1 (argininosuccinate synthase 1; plus strand). Cytogenetic location: 9q34.11.
Variant type: single nucleotide variant.
Coding change: c.489C>T on transcript NM_054012.4 (MANE Select); coding-DNA position 489, C replaced by T.
Protein change: p.Tyr163=; no amino-acid change (tyrosine 163 retained).
Molecular consequence: synonymous variant.
Genome position (GRCh38, 1-based): chr9:130,466,793, C>T. VCF-style: chr9-130466793-C-T. GRCh37 (hg19) VCF-style: chr9-133342180-C-T.
Other names: c.489C>T, p.Tyr163= (NM_000050.4).
Identifiers: ClinVar variation 668487 (VCV000668487.14), dbSNP rs377319610, ClinGen allele CA5283300.
Genomic context (GRCh38, chr9:130,466,793, plus strand): 5'-TCCCTGGAGGATGCCTGAATTCTACAACCGGTTCAAGGGCCGCAATGACCTGATGGAGTA[C>T]GCAAAGGTATGGCCGAGTCTCCCCACCACCCCCAACCTTTCCCTATAGCCCCCTTCCCGG-3'
Protein context (NP_446464.1, residues 153-173): RFKGRNDLME[Tyr163=]AKQHGIPIPV

ClinVar aggregate classification (germline): Likely benign. Review status: criteria provided, multiple submitters, no conflicts (2 of 4 stars). 4 submissions from 4 submitters: Likely benign (4). Last evaluated 2025-09-30.

Conditions:
Inborn genetic diseases. Identifiers: MedGen C0950123, MeSH D030342.
Citrullinemia. Identifiers: Orphanet 187, MedGen C0175683, MONDO:0015991.

Allele frequency attached by ClinVar (database versions not stated): gnomAD 0.00011 and 0.00012; ESP Exome Variant Server 0.00015; TOPMed 0.00019.
gnomAD v4.1: 85 of 1,613,908 alleles (0.0053%); highest among the groups gnomAD compares: East Asian, 0.033%; no homozygotes.

Submissions (4):

Labcorp Genetics (formerly Invitae), Labcorp
Classification: Likely benign for Citrullinemia. Last evaluated: 2025-09-30. Review status: criteria provided, single submitter. Criteria: Invitae Variant Classification Sherloc (09022015). Collection method: clinical testing. Allele origin: germline.

Ambry Genetics
Classification: Likely benign for Inborn genetic diseases. Last evaluated: 2025-04-18. Review status: criteria provided, single submitter. Criteria: Ambry Variant Classification Scheme 2023. Collection method: clinical testing. Allele origin: germline.

Blueprint Genetics
Classification: Likely benign. Last evaluated: 2022-11-08. Review status: criteria provided, single submitter. Criteria: ACMG Guidelines, 2015. Collection method: clinical testing. Allele origin: germline.

GeneDx
Classification: Likely benign. Last evaluated: 2018-06-08. Review status: criteria provided, single submitter. Criteria: GeneDx Variant Classification (06012015). Collection method: clinical testing. Allele origin: germline. Affected: yes.
Comment: This variant is considered likely benign or benign based on one or more of the following criteria: it is a conservative change, it occurs at a poorly conserved position in the protein, it is predicted to be benign by multiple in silico algorithms, and/or has population frequency not consistent with disease.